The following is an entry in ClinVar:

ClinVar aggregate classification (germline): Uncertain significance (1 of 4 stars; one submission).

Conditions:
Bethlem myopathy 1A. Also called: MYOPATHY, BENIGN CONGENITAL, WITH CONTRACTURES; Bethlem Muscular Dystrophy; Bethlem myopathy 1. Identifiers: Orphanet 610, MedGen CN029274, MONDO:0024530, OMIM 158810.

Allele frequency attached by ClinVar (database versions not stated): gnomAD exomes below 0.00001; TOPMed 0.00001.
gnomAD v4.1: 3 of 1,614,186 alleles (0.00019%); highest among the groups gnomAD compares: Non-Finnish European, 0.00025%; no homozygotes.

Submission:

Labcorp Genetics (formerly Invitae), Labcorp
Classification: Uncertain significance for Bethlem myopathy 1A. Last evaluated: 2024-05-16. Review status: criteria provided, single submitter. Criteria: Invitae Variant Classification Sherloc (09022015). Collection method: clinical testing. Allele origin: germline.
Comment: This sequence change replaces arginine, which is basic and polar, with glutamine, which is neutral and polar, at codon 1456 of the COL6A3 protein (p.Arg1456Gln). This variant is not present in population databases (gnomAD no frequency). This variant has not been reported in the literature in individuals affected with COL6A3-related conditions. ClinVar contains an entry for this variant (Variation ID: 1441692). Advanced modeling of protein sequence and biophysical properties (such as structural, functional, and spatial information, amino acid conservation, physicochemical variation, residue mobility, and thermodynamic stability) has been performed at Invitae for this missense variant, however the output from this modeling did not meet the statistical confidence thresholds required to predict the impact of this variant on COL6A3 protein function. In summary, the available evidence is currently insufficient to determine the role of this variant in disease. Therefore, it has been classified as a Variant of Uncertain Significance.

NM_004369.4(COL6A3):c.4367G>A (p.Arg1456Gln)

Gene: COL6A3 (collagen type VI alpha 3 chain; minus strand). Cytogenetic location: 2q37.3.
Variant type: single nucleotide variant.
Coding change: c.4367G>A on transcript NM_004369.4 (MANE Select); coding-DNA position 4367, G replaced by A.
Protein change: p.Arg1456Gln; replaces arginine 1456 with glutamine.
Molecular consequence: missense variant.
Genome position (GRCh38, 1-based): chr2:237,369,096, C>T on the plus strand (G>A on the coding strand, the complement: COL6A3 is on the minus strand). VCF-style: chr2-237369096-C-T. GRCh37 (hg19) VCF-style: chr2-238277739-C-T.
Other names: c.2546G>A, p.Arg849Gln (NM_057166.5); c.3749G>A, p.Arg1250Gln (NM_057167.4); short protein forms R849Q, R1250Q, R1456Q.
Identifiers: ClinVar variation 1441692 (VCV001441692.8), dbSNP rs2077624807, ClinGen allele CA351193560.